The following is an entry in ClinVar:

NM_001172509.2(SATB2):c.1520A>C (p.Lys507Thr)

Gene: SATB2 (SATB homeobox 2; minus strand). Cytogenetic location: 2q33.1.
Variant type: single nucleotide variant.
Coding change: c.1520A>C on transcript NM_001172509.2 (MANE Select); coding-DNA position 1520, A replaced by C.
Protein change: p.Lys507Thr; replaces lysine 507 with threonine.
Molecular consequence: missense variant.
Genome position (GRCh38, 1-based): chr2:199,323,825, T>G on the plus strand (A>C on the coding strand, the complement: SATB2 is on the minus strand). VCF-style: chr2-199323825-T-G. GRCh37 (hg19) VCF-style: chr2-200188548-T-G.
Other names: c.1520A>C, p.Lys507Thr (NM_001172517.1, NM_015265.4); short protein forms K507T.
Identifiers: ClinVar variation 1774412 (VCV001774412.2), dbSNP rs2468860771, ClinGen allele CA350384763.
Genomic context (GRCh38, chr2:199,323,825, plus strand): 5'-TTCCAGCCCTCGATTTTGCTTTTTTAAAAACCACTCACCTGACTTTTATTTGCAGCCACT[T>G]TGGCAAACAGGGCTTGAGACACCTTGGCCCTTTTCATCTCCTGTTGGATCTCGTCATAAA-3'
Protein context (NP_001165980.1, residues 497-517): RAKVSQALFA[Lys507Thr]VAANKSQGWL

ClinVar aggregate classification (germline): Uncertain significance (1 of 4 stars; one submission).

Conditions:
Inborn genetic diseases. Identifiers: MedGen C0950123, MeSH D030342.

Submission:

Ambry Genetics
Classification: Uncertain significance for Inborn genetic diseases. Last evaluated: 2017-12-04. Review status: criteria provided, single submitter. Criteria: Ambry Variant Classification Scheme 2023. Collection method: clinical testing. Allele origin: germline.
Comment: The p.K507T variant (also known as c.1520A>C), located in coding exon 8 of the SATB2 gene, results from an A to C substitution at nucleotide position 1520. The lysine at codon 507 is replaced by threonine, an amino acid with similar properties. This amino acid position is highly conserved in available vertebrate species. In addition, the in silico prediction for this alteration is inconclusive. Since supporting evidence is limited at this time, the clinical significance of this variant remains unclear.